The following is an entry in ClinVar:

NM_012470.4(TNPO3):c.2079C>T (p.His693=)

Gene: TNPO3 (transportin 3; minus strand). Cytogenetic location: 7q32.1.
Variant type: single nucleotide variant.
Coding change: c.2079C>T on transcript NM_012470.4 (MANE Select); coding-DNA position 2079, C replaced by T.
Protein change: p.His693=; no amino-acid change (histidine 693 retained).
Molecular consequence: synonymous variant. On other transcripts: non-coding transcript variant (18).
Genome position (GRCh38, 1-based): chr7:128,975,918, G>A on the plus strand (C>T on the coding strand, the complement: TNPO3 is on the minus strand). VCF-style: chr7-128975918-G-A. GRCh37 (hg19) VCF-style: chr7-128615972-G-A.
Other names: c.1887C>T, p.His629= (NM_001191028.3, NM_001382223.1); c.2181C>T, p.His727= (NM_001382216.1); c.2160C>T, p.His720= (NM_001382217.1); c.2079C>T, p.His693= (NM_001382218.1); c.1971C>T, p.His657= (NM_001382219.1); c.1938C>T, p.His646= (NM_001382220.1); c.1935C>T, p.His645= (NM_001382221.1); c.1932C>T, p.His644= (NM_001382222.1).
Identifiers: ClinVar variation 285709 (VCV000285709.18), dbSNP rs199826657, ClinGen allele CA4477969.

ClinVar aggregate classification (germline): Conflicting classifications of pathogenicity. Review status: criteria provided, conflicting classifications (1 of 4 stars). 4 submissions from 4 submitters: Uncertain significance (1); Likely benign (3). Last evaluated 2025-12-01.

Conditions:
Autosomal dominant limb-girdle muscular dystrophy type 1F (LGMDD2). Also called: MUSCULAR DYSTROPHY, LIMB-GIRDLE, AUTOSOMAL DOMINANT 2; Limb-girdle muscular dystrophy, type 1F. Identifiers: Orphanet 55595, MedGen C1842062, MONDO:0012034, OMIM 608423.

Allele frequency attached by ClinVar (database versions not stated): ESP Exome Variant Server 0.00008; gnomAD 0.00013 and 0.00014; TOPMed 0.00014; 1000 Genomes Project 0.00020; 1000 Genomes Project 30x 0.00031.
gnomAD v4.1: 212 of 1,612,352 alleles (0.013%); highest among the groups gnomAD compares: Admixed American, 0.025%; no homozygotes.

Submissions (4):

CeGaT Center for Human Genetics Tuebingen
Classification: Likely benign. Last evaluated: 2025-12-01. Review status: criteria provided, single submitter. Criteria: CeGaT Center For Human Genetics Tuebingen Variant Classification Criteria Version 2. Collection method: clinical testing. Allele origin: germline. Affected: yes. Observed: 1 variant allele.
Comment: TNPO3: BP4, BP7

Labcorp Genetics (formerly Invitae), Labcorp
Classification: Likely benign for Autosomal dominant limb-girdle muscular dystrophy type 1F. Last evaluated: 2025-03-31. Review status: criteria provided, single submitter. Criteria: Invitae Variant Classification Sherloc (09022015). Collection method: clinical testing. Allele origin: germline.

Blueprint Genetics
Classification: Likely benign. Last evaluated: 2023-10-03. Review status: criteria provided, single submitter. Criteria: ACMG Guidelines, 2015. Collection method: clinical testing. Allele origin: germline.

Eurofins Ntd Llc (ga)
Classification: Uncertain significance. Last evaluated: 2018-07-03. Review status: criteria provided, single submitter. Criteria: EGL ClinVar v180209 classification definitions. Collection method: clinical testing. Allele origin: germline. Observed: 5 variant alleles, 5 heterozygotes.